The following is an entry in ClinVar:

NM_032119.4(ADGRV1):c.18903C>T (p.Ile6301=)

Gene: ADGRV1 (adhesion G protein-coupled receptor V1; plus strand). Cytogenetic location: 5q14.3.
Variant type: single nucleotide variant.
Coding change: c.18903C>T on transcript NM_032119.4 (MANE Select); coding-DNA position 18903, C replaced by T.
Protein change: p.Ile6301=; no amino-acid change (isoleucine 6301 retained).
Molecular consequence: synonymous variant. On other transcripts: non-coding transcript variant (1).
Genome position (GRCh38, 1-based): chr5:91,163,882, C>T. VCF-style: chr5-91163882-C-T. GRCh37 (hg19) VCF-style: chr5-90459699-C-T.
Identifiers: ClinVar variation 512761 (VCV000512761.33), dbSNP rs776454298, ClinGen allele CA3342775.
Genomic context (GRCh38, chr5:91,163,882, plus strand): 5'-CAGCCAGGAGGGGGGCACCTTGACTGACTCCCAGATCGTGGAGCTCAGGAGGATACCCAT[C>T]GCCGACACTCACCTGTAGCACCTCACTAACCATTCGACTGAGCACACTTTCATATTTGTA-3'
Protein context (NP_115495.3, residues 6291-6306): SQIVELRRIP[Ile6301=]ADTHL

ClinVar aggregate classification (germline): Likely benign. Review status: criteria provided, multiple submitters, no conflicts (2 of 4 stars). 5 submissions from 5 submitters: Likely benign (5). Last evaluated 2026-07-16.

Conditions:
ADGRV1-related disorder. Also called: ADGRV1-related condition; ADGRV1-related disorders.

Allele frequency attached by ClinVar (database versions not stated): gnomAD exomes 0.00001; gnomAD 0.00002; TOPMed 0.00002; ExAC 0.00004.
gnomAD v4.1: 66 of 1,559,780 alleles (0.0042%); highest among the groups gnomAD compares: Non-Finnish European, 0.0055%; no homozygotes.

Submissions (5):

PreventionGenetics, part of Exact Sciences
Classification: Likely benign for ADGRV1-related condition. Last evaluated: 2026-07-16. Review status: criteria provided, single submitter. Criteria: ACMG Guidelines, 2015. Collection method: clinical testing. Allele origin: germline.
Comment: This variant is classified as likely benign based on ACMG/AMP sequence variant interpretation guidelines (Richards et al. 2015 PMID: 25741868, with internal and published modifications).

Labcorp Genetics (formerly Invitae), Labcorp
Classification: Likely benign. Last evaluated: 2026-01-19. Review status: criteria provided, single submitter. Criteria: Invitae Variant Classification Sherloc (09022015). Collection method: clinical testing. Allele origin: germline.

CeGaT Center for Human Genetics Tuebingen
Classification: Likely benign. Last evaluated: 2023-01-01. Review status: criteria provided, single submitter. Criteria: CeGaT Center For Human Genetics Tuebingen Variant Classification Criteria Version 2. Collection method: clinical testing. Allele origin: germline. Affected: yes. Observed: 1 variant allele.
Comment: ADGRV1: BP4, BP7

Blueprint Genetics
Classification: Likely benign. Last evaluated: 2021-07-02. Review status: criteria provided, single submitter. Criteria: ACMG Guidelines, 2015. Collection method: clinical testing. Allele origin: germline.

GeneDx
Classification: Likely benign. Last evaluated: 2017-11-01. Review status: criteria provided, single submitter. Criteria: GeneDx Variant Classification (06012015). Collection method: clinical testing. Allele origin: germline. Affected: yes.
Comment: This variant is considered likely benign or benign based on one or more of the following criteria: it is a conservative change, it occurs at a poorly conserved position in the protein, it is predicted to be benign by multiple in silico algorithms, and/or has population frequency not consistent with disease.